The following is an entry in ClinVar:

ClinVar aggregate classification (germline): Conflicting classifications of pathogenicity. Review status: criteria provided, conflicting classifications (1 of 4 stars). 3 submissions from 3 submitters: Uncertain significance (1); Likely benign (1). 1 of the submissions does not count toward it. Last evaluated 2025-07-01.

Conditions:
PHEX-related disorder. Also called: PHEX-related condition.
Familial X-linked hypophosphatemic vitamin D refractory rickets (XLHRD). Also called: X-Linked Hypophosphatemia; Hypophosphatemia, vitamin D-resistant rickets; Vitamin D-resistant rickets, X-linked; Hypophosphatemic Rickets, X-Linked Dominant; HYPOPHOSPHATEMIC VITAMIN D-RESISTANT RICKETS. Identifiers: Orphanet 89936, MedGen C0733682, MONDO:0010619, OMIM 307800.

Allele frequency attached by ClinVar (database versions not stated): TOPMed 0.00028; gnomAD 0.00031 and 0.00033; gnomAD exomes 0.00033.
gnomAD v4.1: 130 of 409,671 alleles (0.032%); highest among the groups gnomAD compares: Non-Finnish European, 0.053%; no homozygotes.

Submissions (3):

CeGaT Center for Human Genetics Tuebingen
Classification: Likely benign. Last evaluated: 2025-07-01. Review status: criteria provided, single submitter. Criteria: CeGaT Center For Human Genetics Tuebingen Variant Classification Criteria Version 2. Collection method: clinical testing. Allele origin: germline. Affected: yes. Observed: 1 variant allele.
Comment: PHEX: BS2

Illumina Laboratory Services, Illumina
Classification: Uncertain significance for Familial X-linked hypophosphatemic vitamin D refractory rickets. Last evaluated: 2018-01-13. Review status: criteria provided, single submitter. Criteria: ICSL Variant Classification Criteria 13 December 2019. Collection method: clinical testing. Allele origin: germline.

PreventionGenetics, part of Exact Sciences
Classification: Likely benign for PHEX-related condition. Last evaluated: 2019-08-12. Review status: no assertion criteria provided. Collection method: clinical testing. Allele origin: germline. Not counted in ClinVar's aggregate classification.
Comment: This variant is classified as likely benign based on ACMG/AMP sequence variant interpretation guidelines (Richards et al. 2015 PMID: 25741868, with internal and published modifications).

NM_000444.6(PHEX):c.*227C>G

Genes: PHEX (phosphate regulating endopeptidase X-linked; plus strand), PTCHD1-AS (PTCHD1 and PHEX antisense RNA; minus strand). Cytogenetic location: Xp22.11.
Variant type: single nucleotide variant.
Coding change: c.*227C>G on transcript NM_000444.6 (MANE Select); 227 bases downstream of the stop codon, C replaced by G.
Molecular consequence: 3 prime UTR variant.
Genome position (GRCh38, 1-based): chrX:22,248,180, C>G. VCF-style: chrX-22248180-C-G. GRCh37 (hg19) VCF-style: chrX-22266297-C-G.
Other names: c.*312C>G (NM_001282754.2); c.*227C>G (NM_000444.5).
Identifiers: ClinVar variation 368174 (VCV000368174.13), dbSNP rs765787001, ClinGen allele CA10646096.